The following is an entry in ClinVar:

NM_004937.3(CTNS):c.943C>T (p.Gln315Ter)

Gene: CTNS (cystinosin, lysosomal cystine transporter; plus strand). Cytogenetic location: 17p13.2.
Variant type: single nucleotide variant.
Coding change: c.943C>T on transcript NM_004937.3 (MANE Select); coding-DNA position 943, C replaced by T.
Protein change: p.Gln315Ter; replaces glutamine 315 with a stop codon.
Molecular consequence: nonsense.
Genome position (GRCh38, 1-based): chr17:3,659,948, C>T. VCF-style: chr17-3659948-C-T. GRCh37 (hg19) VCF-style: chr17-3563242-C-T.
Other names: c.943C>T, p.Gln315Ter (NM_001031681.3, NM_001374492.1); c.502C>T, p.Gln168Ter (NM_001374493.1, NM_001374494.1, NM_001374495.1 and 1 more transcripts); short protein forms Q168*, Q315*.
Identifiers: ClinVar variation 2925596 (VCV002925596.3), dbSNP rs1338364389, ClinGen allele CA397693278.

ClinVar aggregate classification (germline): Pathogenic (1 of 4 stars; one submission).

Conditions:
Inborn genetic diseases. Identifiers: MedGen C0950123, MeSH D030342.
Ocular cystinosis. Also called: Non-Nephropathic (Ocular) Cystinosis; Non-Nephropathic Cystinosis. Identifiers: Orphanet 213, Orphanet 411641, MedGen C2931013, MONDO:0009064, OMIM 219750.
Juvenile nephropathic cystinosis. Also called: Later-Onset (Juvenile) Cystinosis; Intermediate Cystinosis; CYSTINOSIS, LATE-ONSET JUVENILE OR ADOLESCENT NEPHROPATHIC TYPE. Identifiers: Orphanet 213, Orphanet 411634, MedGen C0268626, MONDO:0009066, OMIM 219900.

Allele frequency attached by ClinVar (database versions not stated): gnomAD exomes below 0.00001.
gnomAD v4.1: 1 of 1,613,688 alleles (0.000062%); highest among the groups gnomAD compares: Non-Finnish European, 0.000085%; no homozygotes.

Submission:

Labcorp Genetics (formerly Invitae), Labcorp
Classification: Pathogenic for Inborn genetic diseases; Ocular cystinosis; Juvenile nephropathic cystinosis. Last evaluated: 2023-03-07. Review status: criteria provided, single submitter. Criteria: Invitae Variant Classification Sherloc (09022015). Collection method: clinical testing. Allele origin: germline.
Comment: This variant disrupts a region of the CTNS protein in which other variant(s) (p.Gly339Arg) have been determined to be pathogenic (PMID: 11565547, 12204010, 12825071, 21786142, 23640116). This suggests that this is a clinically significant region of the protein, and that variants that disrupt it are likely to be disease-causing. This sequence change creates a premature translational stop signal (p.Gln315*) in the CTNS gene. While this is not anticipated to result in nonsense mediated decay, it is expected to disrupt the last 53 amino acid(s) of the CTNS protein. This variant is present in population databases (no rsID available, gnomAD 0.0009%). This premature translational stop signal has been observed in individual(s) with cystinosis (PMID: 26655004). For these reasons, this variant has been classified as Pathogenic.

Literature cited by the submitters: PubMed 11565547; PubMed 12204010; PubMed 12825071; PubMed 21786142; PubMed 23640116; PubMed 26655004.